The following is an entry in ClinVar:

ClinVar aggregate classification (germline): Benign/Likely benign. Review status: criteria provided, multiple submitters, no conflicts (2 of 4 stars). 3 submissions from 3 submitters: Benign (1); Likely benign (1). 1 of the submissions does not count toward it. Last evaluated 2026-09-01.

Conditions:
HOXA1-related syndrome. Also called: Human HOXA1 syndromes; HOXA1-related condition; HOXA1-Related Disorders; HOXA1-related disorder. Identifiers: MedGen CN381531, MONDO:0011099.
Inborn genetic diseases. Identifiers: MedGen C0950123, MeSH D030342.

Allele frequency attached by ClinVar (database versions not stated): gnomAD 0.00058 and 0.00071; gnomAD exomes 0.00059 and 0.00146; ExAC 0.00167; 1000 Genomes Project 0.00499.
gnomAD v4.1: 971 of 1,605,770 alleles (0.06%); highest among the groups gnomAD compares: East Asian, 1.4%; 6 homozygotes.

Submissions (3):

CeGaT Center for Human Genetics Tuebingen
Classification: Likely benign. Last evaluated: 2026-09-01. Review status: criteria provided, single submitter. Criteria: CeGaT Center For Human Genetics Tuebingen Variant Classification Criteria Version 2. Collection method: clinical testing. Allele origin: germline. Affected: yes. Observed: 1 variant allele.
Comment: HOXA1: BP4, BS1

Ambry Genetics
Classification: Benign for Inborn genetic diseases. Last evaluated: 2017-04-28. Review status: criteria provided, single submitter. Criteria: Ambry Variant Classification Scheme 2023. Collection method: clinical testing. Allele origin: germline.

PreventionGenetics, part of Exact Sciences
Classification: Benign for HOXA1-related condition. Last evaluated: 2019-07-11. Review status: no assertion criteria provided. Collection method: clinical testing. Allele origin: germline. Not counted in ClinVar's aggregate classification.
Comment: This variant is classified as benign based on ACMG/AMP sequence variant interpretation guidelines (Richards et al. 2015 PMID: 25741868, with internal and published modifications).

NM_005522.5(HOXA1):c.207C>T (p.His69=)

Gene: HOXA1 (homeobox A1; minus strand). Cytogenetic location: 7p15.2.
Variant type: single nucleotide variant.
Coding change: c.207C>T on transcript NM_005522.5 (MANE Select); coding-DNA position 207, C replaced by T.
Protein change: p.His69=; no amino-acid change (histidine 69 retained).
Molecular consequence: synonymous variant.
Genome position (GRCh38, 1-based): chr7:27,095,706, G>A on the plus strand (C>T on the coding strand, the complement: HOXA1 is on the minus strand). VCF-style: chr7-27095706-G-A. GRCh37 (hg19) VCF-style: chr7-27135325-G-A.
Other names: c.207C>T, p.His69= (NM_153620.3).
Identifiers: ClinVar variation 359967 (VCV000359967.12), dbSNP rs577426612, ClinGen allele CA4196004.